The following is an entry in ClinVar:

ClinVar aggregate classification (germline): Uncertain significance (1 of 4 stars; one submission).

Conditions:
Moyamoya disease 2 (MYMY2). Also called: MOYAMOYA DISEASE 2, SUSCEPTIBILITY TO. Identifiers: Orphanet 2573, MedGen C1846689, MONDO:0011784, OMIM 607151.

Submission:

3billion
Classification: Uncertain significance for Moyamoya disease 2. Last evaluated: 2023-02-23. Review status: criteria provided, single submitter. Criteria: ACMG Guidelines, 2015. Collection method: clinical testing. Allele origin: unknown. Affected: yes.
Comment: The variant is not observed in the gnomAD v2.1.1 dataset. In silico tool predictions suggest damaging effect of the variant on gene or gene product (REVEL: 0.94). Therefore, this variant is classified as VUS according to the recommendation of ACMG/AMP guideline.

NM_001256071.3(RNF213):c.11999G>A (p.Cys4000Tyr)

Genes: RNF213 (ring finger protein 213; plus strand), RNF213-AS1 (RNF213 antisense RNA 1; minus strand). Cytogenetic location: 17q25.3.
Variant type: single nucleotide variant.
Coding change: c.11999G>A on transcript NM_001256071.3 (MANE Select); coding-DNA position 11999, G replaced by A.
Protein change: p.Cys4000Tyr; replaces cysteine 4000 with tyrosine.
Molecular consequence: missense variant.
Genome position (GRCh38, 1-based): chr17:80,367,987, G>A. VCF-style: chr17-80367987-G-A. GRCh37 (hg19) VCF-style: chr17-78341787-G-A.
Other names: c.12146G>A, p.Cys4049Tyr (NM_001410195.1, NM_020914.5); short protein forms C4000Y, C4049Y.
Identifiers: ClinVar variation 2444199 (VCV002444199.1), dbSNP rs2511482875, ClinGen allele CA401408998.